The following is an entry in ClinVar:

ClinVar aggregate classification (germline): Likely pathogenic (1 of 4 stars; one submission).

Conditions:
Nemaline myopathy 2 (NEM2). Also called: Nemaline myopathy 2, autosomal recessive. Identifiers: MedGen C1850569, MONDO:0009725, OMIM 256030.

Allele frequency attached by ClinVar (database versions not stated): gnomAD exomes below 0.00001.
gnomAD v4.1: 4 of 1,611,116 alleles (0.00025%); no homozygotes.

Submission:

Labcorp Genetics (formerly Invitae), Labcorp
Classification: Likely pathogenic for Nemaline myopathy 2. Last evaluated: 2023-08-30. Review status: criteria provided, single submitter. Criteria: Invitae Variant Classification Sherloc (09022015). Collection method: clinical testing. Allele origin: germline.
Comment: In summary, the currently available evidence indicates that the variant is pathogenic, but additional data are needed to prove that conclusively. Therefore, this variant has been classified as Likely Pathogenic. Algorithms developed to predict the effect of sequence changes on RNA splicing suggest that this variant may disrupt the consensus splice site. This variant has not been reported in the literature in individuals affected with NEB-related conditions. This variant is present in population databases (no rsID available, gnomAD 0.009%). This sequence change affects an acceptor splice site in intron 135 of the NEB gene. It is expected to disrupt RNA splicing. Variants that disrupt the donor or acceptor splice site typically lead to a loss of protein function (PMID: 16199547), and loss-of-function variants in NEB are known to be pathogenic (PMID: 25205138).

Literature cited by the submitters: PubMed 16199547; PubMed 25205138.

NM_001164508.2(NEB):c.20578-2A>G

Gene: NEB (nebulin; minus strand). Cytogenetic location: 2q23.3.
Variant type: single nucleotide variant.
Coding change: c.20578-2A>G on transcript NM_001164508.2 (MANE Select); the canonical splice acceptor site of the intron before coding-DNA position 20578, A replaced by G.
Molecular consequence: splice acceptor variant.
Genome position (GRCh38, 1-based): chr2:151,541,553, T>C on the plus strand (A>G on the coding strand, the complement: NEB is on the minus strand). VCF-style: chr2-151541553-T-C. GRCh37 (hg19) VCF-style: chr2-152398067-T-C.
Other names: c.15475-2A>G (NM_004543.5); c.20578-2A>G (NM_001164507.2, NM_001271208.2).
Identifiers: ClinVar variation 2754465 (VCV002754465.3), dbSNP rs1163709490, ClinGen allele CA348779124.